The following is an entry in ClinVar:

NM_001355436.2(SPTB):c.6865G>A (p.Glu2289Lys)

Genes: PLEKHG3 (pleckstrin homology and RhoGEF domain containing G3; plus strand), SPTB (spectrin beta, erythrocytic; minus strand). Cytogenetic location: 14q23.3.
Variant type: single nucleotide variant.
Coding change: c.6865G>A on transcript NM_001355436.2 (MANE Select); coding-DNA position 6865, G replaced by A.
Protein change: p.Glu2289Lys; replaces glutamic acid 2289 with lysine.
Molecular consequence: missense variant. On other transcripts: 3 prime UTR variant (1).
Genome position (GRCh38, 1-based): chr14:64,749,428, C>T on the plus strand (G>A on the coding strand, the complement: SPTB is on the minus strand). VCF-style: chr14-64749428-C-T. GRCh37 (hg19) VCF-style: chr14-65216146-C-T.
Other names: c.6865G>A (NM_001024858.2); c.*5725C>T (NM_001308147.2); c.6865G>A, p.Glu2289Lys (NM_001024858.4); short protein forms E2289K.
Identifiers: ClinVar variation 1163362 (VCV001163362.7), dbSNP rs939852403, ClinGen allele CA262662355.

ClinVar aggregate classification (germline): Uncertain significance. Review status: criteria provided, multiple submitters, no conflicts (2 of 4 stars). 2 submissions from 2 submitters: Uncertain significance (2). Last evaluated 2025-08-07.

Conditions:
Inborn genetic diseases. Identifiers: MedGen C0950123, MeSH D030342.

Allele frequency attached by ClinVar (database versions not stated): TOPMed below 0.00001; gnomAD exomes below 0.00001 and 0.00001; gnomAD 0.00001.
gnomAD v4.1: 17 of 1,604,888 alleles (0.0011%); highest among the groups gnomAD compares: Middle Eastern, 0.066%; no homozygotes.

Submissions (2):

Mayo Clinic Laboratories, Mayo Clinic
Classification: Uncertain significance. Last evaluated: 2025-08-07. Review status: criteria provided, single submitter. Criteria: ACMG Guidelines, 2015. Collection method: clinical testing. Allele origin: germline. Observed: 3 variant alleles.
Comment: BP4_moderate, PM2_supporting

Ambry Genetics
Classification: Uncertain significance for Inborn genetic diseases. Last evaluated: 2024-11-13. Review status: criteria provided, single submitter. Criteria: Ambry Variant Classification Scheme 2023. Collection method: clinical testing. Allele origin: germline.